The following is an entry in ClinVar:

ClinVar aggregate classification (germline): Uncertain significance. Review status: criteria provided, multiple submitters, no conflicts (2 of 4 stars). 2 submissions from 2 submitters: Uncertain significance (2). Last evaluated 2025-09-11.

Conditions:
Retinoblastoma (RB1). Also called: RETINOBLASTOMA, SOMATIC. Identifiers: Orphanet 790, MedGen C0035335, MeSH D012175, MONDO:0008380, OMIM 180200, HP:0009919. Disease mechanism: loss of function. Inheritance: Both sporadic and heritable forms are tested..

Submissions (2):

Color Diagnostics, LLC DBA Color Health
Classification: Uncertain significance for Retinoblastoma. Last evaluated: 2025-09-11. Review status: criteria provided, single submitter. Criteria: ACMG Guidelines, 2015. Collection method: clinical testing. Allele origin: germline.
Comment: This missense variant replaces leucine with methionine at codon 518 of the RB1 protein. Computational prediction suggests that this variant may have deleterious impact on protein structure and function. To our knowledge, functional studies have not been reported for this variant. This variant has not been reported in individuals affected with RB1-related disorders in the literature. This variant has not been identified in the general population by the Genome Aggregation Database (gnomAD). The available evidence is insufficient to determine the role of this variant in disease conclusively. Therefore, this variant is classified as a Variant of Uncertain Significance.

Labcorp Genetics (formerly Invitae), Labcorp
Classification: Uncertain significance for Retinoblastoma. Last evaluated: 2025-08-07. Review status: criteria provided, single submitter. Criteria: Invitae Variant Classification Sherloc (09022015). Collection method: clinical testing. Allele origin: germline.
Comment: This sequence change replaces leucine, which is neutral and non-polar, with methionine, which is neutral and non-polar, at codon 518 of the RB1 protein (p.Leu518Met). This variant is not present in population databases (gnomAD no frequency). This variant has not been reported in the literature in individuals affected with RB1-related conditions. ClinVar contains an entry for this variant (Variation ID: 3666362). Invitae Evidence Modeling of protein sequence and biophysical properties (such as structural, functional, and spatial information, amino acid conservation, physicochemical variation, residue mobility, and thermodynamic stability) has been performed for this missense variant. However, the output from this modeling did not meet the statistical confidence thresholds required to predict the impact of this variant on RB1 protein function. In summary, the available evidence is currently insufficient to determine the role of this variant in disease. Therefore, it has been classified as a Variant of Uncertain Significance.

NM_000321.3(RB1):c.1552C>A (p.Leu518Met)

Gene: RB1 (RB transcriptional corepressor 1; plus strand). Cytogenetic location: 13q14.2.
Variant type: single nucleotide variant.
Coding change: c.1552C>A on transcript NM_000321.3 (MANE Select); coding-DNA position 1552, C replaced by A.
Protein change: p.Leu518Met; replaces leucine 518 with methionine.
Molecular consequence: missense variant.
Genome position (GRCh38, 1-based): chr13:48,381,300, C>A. VCF-style: chr13-48381300-C-A. GRCh37 (hg19) VCF-style: chr13-48955436-C-A.
Other names: c.1552C>A, p.Leu518Met (NM_001407165.1, NM_001407166.1); short protein forms L518M.
Identifiers: ClinVar variation 3666362 (VCV003666362.3).